The following is an entry in ClinVar:

NM_006005.3(WFS1):c.1580C>T (p.Thr527Ile)

Gene: WFS1 (wolframin ER transmembrane glycoprotein; plus strand). Cytogenetic location: 4p16.1.
Variant type: single nucleotide variant.
Coding change: c.1580C>T on transcript NM_006005.3 (MANE Select); coding-DNA position 1580, C replaced by T.
Protein change: p.Thr527Ile; replaces threonine 527 with isoleucine.
Molecular consequence: missense variant.
Genome position (GRCh38, 1-based): chr4:6,301,375, C>T. VCF-style: chr4-6301375-C-T. GRCh37 (hg19) VCF-style: chr4-6303102-C-T.
Other names: c.1580C>T, p.Thr527Ile (NM_001145853.1); short protein forms T527I.
Identifiers: ClinVar variation 907533 (VCV000907533.17), dbSNP rs372663248, ClinGen allele CA2839408.
Genomic context (GRCh38, chr4:6,301,375, plus strand): 5'-TCTATGTCTACCTGCTCTATCTCTTCTTCCGCATGGCACAGCTGAGGAATTTCAAGGGCA[C>T]CTACTGCTACCTTGTGCCCTACCTGGTGTGCTTCATGTGGTGTGAGCTCTCCGTGGTCAT-3'
Protein context (NP_005996.2, residues 517-537): RMAQLRNFKG[Thr527Ile]YCYLVPYLVC

ClinVar aggregate classification (germline): Conflicting classifications of pathogenicity. Review status: criteria provided, conflicting classifications (1 of 4 stars). 8 submissions from 7 submitters: Uncertain significance (6); Uncertain risk allele (1); Likely benign (1). Last evaluated 2025-11-10.

Conditions:
Autosomal dominant nonsyndromic hearing loss 6 (LFSNHL). Also called: DEAFNESS, AUTOSOMAL DOMINANT 6; Autosomal dominant nonsyndromic deafness 6; DEAFNESS, AUTOSOMAL DOMINANT 14; DEAFNESS, AUTOSOMAL DOMINANT 38. Identifiers: Orphanet 90635, MedGen C1833021, MONDO:0010963, OMIM 600965.
WFS1-Related Spectrum Disorders.
Inborn genetic diseases. Identifiers: MedGen C0950123, MeSH D030342.
Wolfram syndrome 1 (WFS1). Identifiers: Orphanet 3463, MedGen C4551693, MONDO:0009101, OMIM 222300.
WFS1-related disorder. Identifiers: MedGen CN379391, MONDO:0700293.
Cataract 41 (CTRCT41). Also called: CATARACT 41, CONGENITAL NUCLEAR TYPE. Identifiers: Orphanet 91492, Orphanet 98991, Orphanet 98992, Orphanet 98995, MedGen C3805412, MONDO:0007287, OMIM 116400.
Wolfram-like syndrome. Also called: HEARING LOSS, PROGRESSIVE, WITH OPTIC ATROPHY AND/OR IMPAIRED GLUCOSE REGULATION. Identifiers: Orphanet 411590, MedGen C3280358, MONDO:0013673, OMIM 614296.
Type 2 diabetes mellitus. Also called: Type II diabetes mellitus. Identifiers: MedGen C0011860, MeSH D003924, MONDO:0005148, OMIM 125853, HP:0005978.

Allele frequency attached by ClinVar (database versions not stated): TOPMed 0.00004; gnomAD 0.00006 and 0.00007; ExAC 0.00007; gnomAD exomes 0.00007; ESP Exome Variant Server 0.00008.
gnomAD v4.1: 102 of 1,612,440 alleles (0.0063%); highest among the groups gnomAD compares: Non-Finnish European, 0.0075%; no homozygotes.

Submissions (8):

PreventionGenetics, part of Exact Sciences
Classification: Uncertain significance for WFS1-related condition. Last evaluated: 2025-11-10. Review status: criteria provided, single submitter. Criteria: ACMG Guidelines, 2015. Collection method: clinical testing. Allele origin: germline.
Comment: The WFS1 c.1580C>T variant is predicted to result in the amino acid substitution p.Thr527Ile. To our knowledge, this variant has not been reported in the literature. This variant is reported in 0.024% of alleles in individuals of European (Finnish) descent in gnomAD. At this time, the clinical significance of this variant is uncertain due to the absence of conclusive functional and genetic evidence.

Labcorp Genetics (formerly Invitae), Labcorp
Classification: Likely benign. Last evaluated: 2025-09-27. Review status: criteria provided, single submitter. Criteria: Invitae Variant Classification Sherloc (09022015). Collection method: clinical testing. Allele origin: germline.

Fulgent Genetics
Classification: Uncertain significance for Cataract 41; Type 2 diabetes mellitus; Wolfram syndrome 1; Autosomal dominant nonsyndromic hearing loss 6; Wolfram-like syndrome. Last evaluated: 2024-05-10. Review status: criteria provided, single submitter. Criteria: ACMG Guidelines, 2015. Collection method: clinical testing. Allele origin: germline.

Blueprint Genetics
Classification: Uncertain significance. Last evaluated: 2022-03-22. Review status: criteria provided, single submitter. Criteria: ACMG Guidelines, 2015. Collection method: clinical testing. Allele origin: germline.

Ambry Genetics
Classification: Uncertain significance for Inborn genetic diseases. Last evaluated: 2022-01-04. Review status: criteria provided, single submitter. Criteria: Ambry Variant Classification Scheme 2023. Collection method: clinical testing. Allele origin: germline.

Illumina Laboratory Services, Illumina
Classification: Uncertain significance for Autosomal dominant nonsyndromic hearing loss 6. Last evaluated: 2018-01-13. Review status: criteria provided, single submitter. Criteria: ICSL Variant Classification Criteria 13 December 2019. Collection method: clinical testing. Allele origin: germline.

Illumina Laboratory Services, Illumina
Classification: Uncertain significance for WFS1-Related Spectrum Disorders. Last evaluated: 2018-01-13. Review status: criteria provided, single submitter. Criteria: ICSL Variant Classification Criteria 13 December 2019. Collection method: clinical testing. Allele origin: germline.

Clinical Genomics, Uppaluri K&H Personalized Medicine Clinic
Classification: Uncertain risk allele for Wolfram syndrome 1. Review status: criteria provided, single submitter. Criteria: K & H Uppaluri Personalized Medicine Clinic Variant Classification & Assertion Criteria_Updated V.1. Collection method: research. Allele origin: unknown. Inheritance: Autosomal recessive inheritance.
Comment: Potent mutations in WFS1 gene are associated with Wolfram's syndrome, an autosomal recessive condition, which cause diabetes mellitus, diabetes insipidus, deafness and optic atrophy. However no sufficient evidence is found to ascertain the role of this particular variant rs372663248 in Wolfram's syndrome yet.

Literature cited by the submitters: PubMed 20738327 (cited by Clinical Genomics, Uppaluri K&H Personalized Medicine Clinic); PubMed 33879153 (cited by Clinical Genomics, Uppaluri K&H Personalized Medicine Clinic); PubMed 12955714 (cited by Clinical Genomics, Uppaluri K&H Personalized Medicine Clinic); PubMed 18060660 (cited by Clinical Genomics, Uppaluri K&H Personalized Medicine Clinic); PubMed 20301750 (cited by Clinical Genomics, Uppaluri K&H Personalized Medicine Clinic); PubMed 17603484 (cited by Clinical Genomics, Uppaluri K&H Personalized Medicine Clinic).